The following is an entry in ClinVar:

ClinVar aggregate classification (germline): Uncertain significance (1 of 4 stars; one submission).

Submission:

Quest Diagnostics Nichols Institute San Juan Capistrano
Classification: Uncertain significance. Last evaluated: 2025-07-16. Review status: criteria provided, single submitter. Criteria: Quest Diagnostics criteria. Collection method: clinical testing. Allele origin: unknown.
Comment: The FANCM c.2790A>G (p.Thr930=) synonymous variant has not been reported in individuals with FANCM-related conditions in the published literature. It also has not been reported in large, multi-ethnic general populations (Genome Aggregation Database). Analysis of this variant using software algorithms for the prediction of the effect of nucleotide changes on splicing yielded predictions that this variant does not affect FANCM mRNA splicing. Based on the available information, we are unable to determine the clinical significance of this variant.

NM_020937.4(FANCM):c.2790A>G (p.Thr930=)

Gene: FANCM (FA complementation group M; plus strand). Cytogenetic location: 14q21.2.
Variant type: single nucleotide variant.
Coding change: c.2790A>G on transcript NM_020937.4 (MANE Select); coding-DNA position 2790, A replaced by G.
Protein change: p.Thr930=; no amino-acid change (threonine 930 retained).
Molecular consequence: synonymous variant.
Genome position (GRCh38, 1-based): chr14:45,175,544, A>G. VCF-style: chr14-45175544-A-G. GRCh37 (hg19) VCF-style: chr14-45644747-A-G.
Other names: c.2712A>G, p.Thr904= (NM_001308133.2).
Identifiers: ClinVar variation 4533127 (VCV004533127.1).
Genomic context (GRCh38, chr14:45,175,544, plus strand): 5'-TACTATTAATGAAAATGTTATTAAAGAACCGTGTGTGTTATTAACAGAGTGTCAGTTTAC[A>G]AATAAATCCACTAGTTCACTTGCTGGAAATGTTTTAGATTCTGGTTATAACAGTTTCAAT-3'
Protein context (NP_065988.1, residues 920-940): PCVLLTECQF[Thr930=]NKSTSSLAGN